The following is an entry in ClinVar:

NM_005902.4(SMAD3):c.145G>C (p.Asp49His)

Gene: SMAD3 (SMAD family member 3; plus strand). Cytogenetic location: 15q22.33.
Variant type: single nucleotide variant.
Coding change: c.145G>C on transcript NM_005902.4 (MANE Select); coding-DNA position 145, G replaced by C.
Protein change: p.Asp49His; replaces aspartic acid 49 with histidine.
Molecular consequence: missense variant.
Genome position (GRCh38, 1-based): chr15:67,066,299, G>C. VCF-style: chr15-67066299-G-C. GRCh37 (hg19) VCF-style: chr15-67358637-G-C.
Other names: c.145G>C, p.Asp49His (NM_001407011.1, NM_001407012.1, NM_001407013.1); short protein forms D49H.
Identifiers: ClinVar variation 2966169 (VCV002966169.3), dbSNP rs1959914506, ClinGen allele CA393202991.

ClinVar aggregate classification (germline): Uncertain significance (1 of 4 stars; one submission).

Conditions:
Familial thoracic aortic aneurysm and aortic dissection (TAAD). Also called: Thoracic aortic aneurysms and dissections. Identifiers: Orphanet 91387, MedGen C4707243, MONDO:0019625.

Submission:

Labcorp Genetics (formerly Invitae), Labcorp
Classification: Uncertain significance for Familial thoracic aortic aneurysm and aortic dissection. Last evaluated: 2023-07-19. Review status: criteria provided, single submitter. Criteria: Invitae Variant Classification Sherloc (09022015). Collection method: clinical testing. Allele origin: germline.
Comment: This sequence change replaces aspartic acid, which is acidic and polar, with histidine, which is basic and polar, at codon 49 of the SMAD3 protein (p.Asp49His). In summary, the available evidence is currently insufficient to determine the role of this variant in disease. Therefore, it has been classified as a Variant of Uncertain Significance. Advanced modeling of protein sequence and biophysical properties (such as structural, functional, and spatial information, amino acid conservation, physicochemical variation, residue mobility, and thermodynamic stability) performed at Invitae indicates that this missense variant is not expected to disrupt SMAD3 protein function. This variant has not been reported in the literature in individuals affected with SMAD3-related conditions. This variant is not present in population databases (gnomAD no frequency).